The following is an entry in ClinVar:

NM_170707.4(LMNA):c.4G>T (p.Glu2Ter)

Gene: LMNA (lamin A/C; plus strand). Cytogenetic location: 1q22.
Variant type: single nucleotide variant.
Coding change: c.4G>T on transcript NM_170707.4 (MANE Select); coding-DNA position 4, G replaced by T.
Protein change: p.Glu2Ter; replaces glutamic acid 2 with a stop codon.
Molecular consequence: nonsense.
Genome position (GRCh38, 1-based): chr1:156,114,922, G>T. VCF-style: chr1-156114922-G-T. GRCh37 (hg19) VCF-style: chr1-156084713-G-T.
Other names: c.4G>T, p.Glu2Ter (NM_001282625.2, NM_001282626.2, NM_005572.4 and 1 more transcripts); short protein forms E2*.
Identifiers: ClinVar variation 568051 (VCV000568051.9), dbSNP rs1558115754, ClinGen allele CA342805855.

ClinVar aggregate classification (germline): Pathogenic. Review status: criteria provided, multiple submitters, no conflicts (2 of 4 stars). 2 submissions from 2 submitters: Pathogenic (2). Last evaluated 2018-11-29.

Conditions:
Cardiovascular phenotype. Identifiers: MedGen CN230736.
Charcot-Marie-Tooth disease type 2. Also called: Charcot-Marie-Tooth type 2. Identifiers: Orphanet 64746, MedGen C0270914, MONDO:0018993.

Submissions (2):

Labcorp Genetics (formerly Invitae), Labcorp
Classification: Pathogenic for Charcot-Marie-Tooth disease type 2. Last evaluated: 2018-11-29. Review status: criteria provided, single submitter. Criteria: Invitae Variant Classification Sherloc (09022015). Collection method: clinical testing. Allele origin: germline.
Comment: For these reasons, this variant has been classified as Pathogenic. Loss-of-function variants in LMNA are known to be pathogenic (PMID: 18585512, 18926329). This variant has not been reported in the literature in individuals with LMNA-related disease. While this variant is not present in population databases, the frequency information is unreliable, as metrics indicate poor data quality at this position in the ExAC database. This sequence change creates a premature translational stop signal (p.Glu2*) in the LMNA gene. It is expected to result in an absent or disrupted protein product.

Ambry Genetics
Classification: Pathogenic for Cardiovascular phenotype. Last evaluated: 2018-04-05. Review status: criteria provided, single submitter. Criteria: Ambry Variant Classification Scheme 2023. Collection method: clinical testing. Allele origin: germline.
Comment: The p.E2* pathogenic mutation (also known as c.4G>T), located in coding exon 1 of the LMNA gene, results from a G to T substitution at nucleotide position 4. This changes the amino acid from a glutamic acid to a stop codon within coding exon 1. This alteration is expected to result in loss of function by premature protein truncation or nonsense-mediated mRNA decay. As such, this alteration is interpreted as a disease-causing mutation.

Literature cited by the submitters: PubMed 18585512 (cited by Labcorp Genetics (formerly Invitae), Labcorp); PubMed 18926329 (cited by Labcorp Genetics (formerly Invitae), Labcorp).